The following is an entry in ClinVar:

NM_000448.3(RAG1):c.725A>G (p.Gln242Arg)

Gene: RAG1 (recombination activating 1; plus strand). Cytogenetic location: 11p12.
Variant type: single nucleotide variant.
Coding change: c.725A>G on transcript NM_000448.3 (MANE Select); coding-DNA position 725, A replaced by G.
Protein change: p.Gln242Arg; replaces glutamine 242 with arginine.
Molecular consequence: missense variant.
Genome position (GRCh38, 1-based): chr11:36,574,029, A>G. VCF-style: chr11-36574029-A-G. GRCh37 (hg19) VCF-style: chr11-36595579-A-G.
Other names: NM_000448.3(RAG1):c.725A>G; p.Gln242Arg; c.725A>G, p.Gln242Arg (NM_001377277.1, NM_001377278.1, NM_001377279.1 and 1 more transcripts); short protein forms Q242R.
Identifiers: ClinVar variation 536967 (VCV000536967.33), dbSNP rs76897604, ClinGen allele CA5950037.

ClinVar aggregate classification (germline): Likely benign. Review status: reviewed by expert panel (3 of 4 stars). 13 submissions from 12 submitters: Likely benign (1). 12 of the submissions do not count toward it. Last evaluated 2023-11-14.

Conditions:
RAG1-related disorder. Also called: RAG1-related condition; RAG1-related disorders.
Combined immunodeficiency with skin granulomas. Identifiers: Orphanet 157949, MedGen C2673536, MONDO:0009306, OMIM 233650.
Severe combined immunodeficiency, autosomal recessive, T cell-negative, B cell-negative, NK cell-positive. Also called: SCID, AR, T-cell negative, B-cell negative, NK cell-positive; SCID, T CELL-NEGATIVE, B CELL-NEGATIVE, NK CELL-POSITIVE; Severe combined immunodeficiency due to complete RAG1/2 deficiency. Identifiers: Orphanet 331206, MedGen C1832322, MONDO:0011086, OMIM 601457.
Recombinase activating gene 1 deficiency. Identifiers: MedGen CN375631, MONDO:0000572.
Histiocytic medullary reticulosis. Also called: SEVERE COMBINED IMMUNODEFICIENCY WITH HYPEREOSINOPHILIA; Omenn syndrome. Identifiers: Orphanet 39041, MedGen C2700553, MONDO:0011338, OMIM 603554.
Combined immunodeficiency due to partial RAG1 deficiency. Identifiers: Orphanet 231154, MedGen C1835931, MONDO:0012359, OMIM 609889.

Allele frequency attached by ClinVar (database versions not stated): 1000 Genomes Project 30x 0.00125; 1000 Genomes Project 0.00140; TOPMed 0.00156; gnomAD 0.00164 and 0.00165; ESP Exome Variant Server 0.00223; gnomAD exomes 0.00228 and 0.00278; ExAC 0.00274.
gnomAD v4.1: 4,262 of 1,614,174 alleles (0.26%); highest among the groups gnomAD compares: Non-Finnish European, 0.32%; 8 homozygotes.

Submissions (13):

ClinGen Severe Combined Immunodeficiency Variant Curation Expert Panel, ClinGen
Classification: Likely benign for Recombinase activating gene 1 deficiency. Last evaluated: 2023-11-14. Review status: reviewed by expert panel. Criteria: ClinGen SCID ACMG Specifications RAG1 V1.0.0. Collection method: curation. Allele origin: germline. Inheritance: Autosomal recessive inheritance.
Comment: The c.725A>G, NM_000448.3, variant in RAG1 is a missense variant predicted to cause substitution of Glutamine by Arginine at amino acid 242 (p.Gln242Arg). The filtering allele frequency (the lower threshold of the 95% CI of 477/128678) of the c.725A>G variant in RAG1 is 0.003627 for European (non-Finnish) chromosomes by gnomAD v2.1.1, which is higher than the ClinGen SCID VCEP threshold (0.00195) for BS1, and therefore meets this criterion (BS1). This variant has been detected in at least one individual with Omenn syndrome. There is no information about family segregation. Phase unknown. (PMID: 32311393). No homozygous are found. This patient displays Diagnostic criteria for Omenn syndrome, which reaches 0.5pt, not enough to apply PP4 in any strength (PMID: 32311393, PP4 Not_Met). In summary, this variant meets the criteria to be classified as Likely Benign for autosomal recessive SCID based on the ACMG/AMP criteria applied, BS1, as specified by the ClinGen SCID VCEP (VCEP specifications version 1).

PreventionGenetics, part of Exact Sciences
Classification: Likely benign for RAG1-related condition. Last evaluated: 2026-02-04. Review status: criteria provided, single submitter. Criteria: ACMG Guidelines, 2015. Collection method: clinical testing. Allele origin: germline. Not counted in ClinVar's aggregate classification.
Comment: This variant is classified as likely benign based on ACMG/AMP sequence variant interpretation guidelines (Richards et al. 2015 PMID: 25741868, with internal and published modifications).

Labcorp Genetics (formerly Invitae), Labcorp
Classification: Benign for Combined immunodeficiency with skin granulomas; Severe combined immunodeficiency, autosomal recessive, T cell-negative, B cell-negative, NK cell-positive. Last evaluated: 2026-01-28. Review status: criteria provided, single submitter. Criteria: Invitae Variant Classification Sherloc (09022015). Collection method: clinical testing. Allele origin: germline. Not counted in ClinVar's aggregate classification.

CeGaT Center for Human Genetics Tuebingen
Classification: Likely benign. Last evaluated: 2025-03-01. Review status: criteria provided, single submitter. Criteria: CeGaT Center For Human Genetics Tuebingen Variant Classification Criteria Version 2. Collection method: clinical testing. Allele origin: germline. Affected: yes. Observed: 1 variant allele. Not counted in ClinVar's aggregate classification.
Comment: RAG1: BP4

Mayo Clinic Laboratories, Mayo Clinic
Classification: Likely benign. Last evaluated: 2025-02-18. Review status: criteria provided, single submitter. Criteria: ACMG Guidelines, 2015. Collection method: clinical testing. Allele origin: germline. Observed: 2 variant alleles. Not counted in ClinVar's aggregate classification.
Comment: BS1, BS2, BP4_moderate

Blueprint Genetics
Classification: Likely benign. Last evaluated: 2024-11-25. Review status: criteria provided, single submitter. Criteria: ACMG Guidelines, 2015. Collection method: clinical testing. Allele origin: germline. Not counted in ClinVar's aggregate classification.

ARUP Laboratories, Molecular Genetics and Genomics, ARUP Laboratories
Classification: Likely benign. Last evaluated: 2024-10-30. Review status: criteria provided, single submitter. Criteria: ARUP Molecular Germline Variant Investigation Process 2024. Collection method: clinical testing. Allele origin: germline. Not counted in ClinVar's aggregate classification.

GeneDx
Classification: Uncertain significance. Last evaluated: 2022-11-10. Review status: criteria provided, single submitter. Criteria: GeneDx Variant Classification Process June 2021. Collection method: clinical testing. Allele origin: germline. Affected: yes. Not counted in ClinVar's aggregate classification.
Comment: Has not been previously published as pathogenic in association with RAG1-related disorder or benign to our knowledge; In silico analysis, which includes protein predictors and evolutionary conservation, supports that this variant does not alter protein structure/function; This variant is associated with the following publications: (PMID: 25976673)

Illumina Laboratory Services, Illumina
Classification: Benign for Severe combined immunodeficiency, autosomal recessive, T cell-negative, B cell-negative, NK cell-positive. Last evaluated: 2017-04-27. Review status: criteria provided, single submitter. Criteria: ICSL Variant Classification Criteria 13 December 2019. Collection method: clinical testing. Allele origin: germline. Not counted in ClinVar's aggregate classification.
Comment: This variant was observed as part of a predisposition screen in an ostensibly healthy population. A literature search was performed for the gene, cDNA change, and amino acid change (where applicable). No publications were found based on this search. Allele frequency data from public databases was too high to be consistent with this variant causing disease. Therefore, this variant is classified as benign.

Illumina Laboratory Services, Illumina
Classification: Benign for Histiocytic medullary reticulosis. Last evaluated: 2017-04-27. Review status: criteria provided, single submitter. Criteria: ICSL Variant Classification Criteria 13 December 2019. Collection method: clinical testing. Allele origin: germline. Not counted in ClinVar's aggregate classification.
Comment: the same text as in the submission from Illumina Laboratory Services, Illumina above.

Center for Genomics, Ann and Robert H. Lurie Children's Hospital of Chicago
Classification: Likely benign for Histiocytic medullary reticulosis; Severe combined immunodeficiency, autosomal recessive, T cell-negative, B cell-negative, NK cell-positive; Combined immunodeficiency with skin granulomas; Combined immunodeficiency due to partial RAG1 deficiency. Review status: criteria provided, single submitter. Criteria: ACMG Guidelines, 2015. Collection method: clinical testing. Allele origin: germline. Not counted in ClinVar's aggregate classification.
Comment: This variant has not been reported in the literature but is present in the Genome Aggregation Database (Highest reported MAF 0.2% [192/68038]). This variant is present in ClinVar, with multiple labs classifying this variant as Benign or Likely Benign (Variation ID:536967). This variant amino acid Arginine (Arg) is present in several species including multiple mammals and is not well conserved among evolutionarily distant species; this suggests that this variant may not impact the protein. Additional computational prediction tools do not suggest an impact. In summary, data on this variant suggests that this variant does not cause disease but requires further evidence. Therefore, this variant is classified as likely benign.

Clinical Genetics DNA and cytogenetics Diagnostics Lab, Erasmus MC, Erasmus Medical Center
Classification: Likely benign. Review status: no assertion criteria provided. Collection method: clinical testing. Allele origin: germline. Affected: yes. Study: VKGL Data-share Consensus. Not counted in ClinVar's aggregate classification.

Genome Diagnostics Laboratory, University Medical Center Utrecht
Classification: Likely benign. Review status: no assertion criteria provided. Collection method: clinical testing. Allele origin: germline. Affected: yes. Study: VKGL Data-share Consensus. Not counted in ClinVar's aggregate classification.

Literature cited by the submitters: PubMed 32311393 (cited by Mayo Clinic Laboratories, Mayo Clinic).